The following is an entry in ClinVar:

NM_000051.4(ATM):c.6573-11G>A

Genes: ATM (ATM serine/threonine kinase; plus strand), C11orf65 (chromosome 11 open reading frame 65; minus strand). Cytogenetic location: 11q22.3.
Variant type: single nucleotide variant.
Coding change: c.6573-11G>A on transcript NM_000051.4 (MANE Select); 11 bases into the intron before coding-DNA position 6573, G replaced by A.
Molecular consequence: intron variant.
Genome position (GRCh38, 1-based): chr11:108,325,299, G>A. VCF-style: chr11-108325299-G-A. GRCh37 (hg19) VCF-style: chr11-108196026-G-A.
Other names: c.6573-11G>A (NM_001351834.2); c.641-16228C>T (NM_001330368.2); c.*38+9921C>T (NM_001351110.2).
Identifiers: ClinVar variation 419710 (VCV000419710.16), dbSNP rs375599653, ClinGen allele CA6265985.

ClinVar aggregate classification (germline): Conflicting classifications of pathogenicity. Review status: criteria provided, conflicting classifications (1 of 4 stars). 6 submissions from 6 submitters: Uncertain significance (2); Likely benign (4). Last evaluated 2026-01-13.

Conditions:
Hereditary cancer-predisposing syndrome. Also called: Neoplastic Syndromes, Hereditary; Hereditary Cancer Syndrome; Tumor predisposition; Hereditary neoplastic syndrome. Identifiers: Orphanet 140162, MedGen C0027672, MeSH D009386, MONDO:0015356.
Familial cancer of breast. Also called: Hereditary breast cancer; BREAST CANCER, FAMILIAL; hereditary breast carcinoma. Identifiers: Orphanet 227535, MedGen C0346153, MONDO:0016419, OMIM 114480. Disease mechanism: loss of function.
Ataxia-telangiectasia syndrome (AT). Also called: LOUIS-BAR SYNDROME; Cerebello-oculocutaneous telangiectasia; Immunodeficiency with ataxia telangiectasia; Ataxia-telangiectasia, complementation group D; AT, COMPLEMENTATION GROUP C; Ataxia-telangiectasia, complementation group E. Identifiers: Orphanet 100, MedGen C0004135, MONDO:0008840, OMIM 208900.

Allele frequency attached by ClinVar (database versions not stated): gnomAD 0.00001 and below 0.00001; ExAC 0.00002; ESP Exome Variant Server 0.00008; TOPMed 0.00001; gnomAD exomes 0.00002.
gnomAD v4.1: 20 of 1,246,700 alleles (0.0016%); highest among the groups gnomAD compares: East Asian, 0.0025%; no homozygotes.

Submissions (6):

Labcorp Genetics (formerly Invitae), Labcorp
Classification: Likely benign for Ataxia-telangiectasia syndrome. Last evaluated: 2026-01-13. Review status: criteria provided, single submitter. Criteria: Invitae Variant Classification Sherloc (09022015). Collection method: clinical testing. Allele origin: germline.

Department of Pathology and Laboratory Medicine, Sinai Health System
Classification: Likely benign for Familial cancer of breast; Ataxia-telangiectasia syndrome. Last evaluated: 2025-01-02. Review status: criteria provided, single submitter. Criteria: ACMG Guidelines, 2015. Collection method: clinical testing. Allele origin: germline.

Myriad Genetics, Inc.
Classification: Likely benign for Familial cancer of breast. Last evaluated: 2024-06-07. Review status: criteria provided, single submitter. Criteria: Myriad Autosomal Dominant, Autosomal Recessive and X-Linked Classification Criteria (2023). Collection method: clinical testing. Allele origin: unknown.
Comment: This variant is considered likely benign. This variant is intronic and is not expected to impact mRNA splicing.

Sema4
Classification: Uncertain significance for Hereditary cancer-predisposing syndrome. Last evaluated: 2022-02-19. Review status: criteria provided, single submitter. Criteria: Sema4 Curation Guidelines. Collection method: curation. Allele origin: germline.
Comment: The ATM c.6573-11G>A variant has not been reported in the literature to our knowledge. It was observed in 2/22460 chromosomes in the Finnish population according to the Genome Aggregation Database (PMID: 32461654). This variant has been reported in ClinVar (Variation ID: 419710). In silico tools suggest the nucleotide is not well conserved and the variant does not disrupt normal splicing, though these predictions have not been confirmed by functional studies. There is no indication that this variant causes disease, but the evidence is insufficient currently to prove that conclusively. Thus, the clinical significance of this variant is currently uncertain.

Color Diagnostics, LLC DBA Color Health
Classification: Likely benign for Hereditary cancer-predisposing syndrome. Last evaluated: 2020-06-24. Review status: criteria provided, single submitter. Criteria: ACMG Guidelines, 2015. Collection method: clinical testing. Allele origin: germline.

GeneDx
Classification: Uncertain significance. Last evaluated: 2017-03-10. Review status: criteria provided, single submitter. Criteria: GeneDx Variant Classification (06012015). Collection method: clinical testing. Allele origin: germline. Affected: yes.
Comment: This variant is denoted ATM c.6573-11G>A or IVS45-11G>A and consists of a G>A nucleotide substitution at the -11 position of intron 45 of the ATM gene. ATM c.6573-11G>A was not observed at a significant allele frequency in large population cohorts (NHLBI Exome Sequencing Project, The 1000 Genomes Consortium 2015, Lek 2016). This variant has not, to our knowledge, been published in the literature as pathogenic or benign. The guanine (G) nucleotide that is altered is not conserved. In silico models are inconclusive with respect to splicing, and in the absence of RNA or functional studies, the actual effect of this variant is unknown. Based on currently available information, it is unclear whether ATM c.6573-11G>A is pathogenic or benign. We consider it to be a variant of uncertain significance.